The following is an entry in ClinVar:

NM_015135.3(NUP205):c.4818A>C (p.Pro1606=)

Gene: NUP205 (nucleoporin 205; plus strand). Cytogenetic location: 7q33.
Variant type: single nucleotide variant.
Coding change: c.4818A>C on transcript NM_015135.3 (MANE Select); coding-DNA position 4818, A replaced by C.
Protein change: p.Pro1606=; no amino-acid change (proline 1606 retained).
Molecular consequence: synonymous variant.
Genome position (GRCh38, 1-based): chr7:135,627,997, A>C. VCF-style: chr7-135627997-A-C. GRCh37 (hg19) VCF-style: chr7-135312745-A-C.
Other names: c.3744A>C, p.Pro1248= (NM_001329434.2).
Identifiers: ClinVar variation 2044822 (VCV002044822.29), dbSNP rs372349240, ClinGen allele CA4498992.

ClinVar aggregate classification (germline): Likely benign. Review status: criteria provided, multiple submitters, no conflicts (2 of 4 stars). 3 submissions from 3 submitters: Likely benign (3). Last evaluated 2024-11-22.

Allele frequency attached by ClinVar (database versions not stated): gnomAD 0.00007; ESP Exome Variant Server 0.00008; ExAC 0.00006.
gnomAD v4.1: 150 of 1,612,252 alleles (0.0093%); highest among the groups gnomAD compares: Middle Eastern, 0.58%; no homozygotes.

Submissions (3):

Blueprint Genetics
Classification: Likely benign. Last evaluated: 2024-11-22. Review status: criteria provided, single submitter. Criteria: ACMG Guidelines, 2015. Collection method: clinical testing. Allele origin: germline.

CeGaT Center for Human Genetics Tuebingen
Classification: Likely benign. Last evaluated: 2024-06-01. Review status: criteria provided, single submitter. Criteria: CeGaT Center For Human Genetics Tuebingen Variant Classification Criteria Version 2. Collection method: clinical testing. Allele origin: germline. Affected: yes. Observed: 2 variant alleles.
Comment: NUP205: BP4, BP7

Labcorp Genetics (formerly Invitae), Labcorp
Classification: Likely benign. Last evaluated: 2024-05-28. Review status: criteria provided, single submitter. Criteria: Invitae Variant Classification Sherloc (09022015). Collection method: clinical testing. Allele origin: germline.